The following is an entry in ClinVar:

Conditions:
Breast-ovarian cancer, familial, susceptibility to, 1 (BROVCA1). Also called: BRCA1 Hereditary Breast and Ovarian Cancer; OVARIAN CANCER, SUSCEPTIBILITY TO. Identifiers: Orphanet 145, MedGen C2676676, MONDO:0011450, OMIM 604370. Disease mechanism: loss of function.

Submission:

Brotman Baty Institute, University of Washington
No classification provided (evidence only). Condition: Breast-ovarian cancer, familial 1. Review status: no classification provided. Collection method: in vitro. Allele origin: not applicable. Functional consequence: functionally_normal.
ClinVar note: "not provided" was previously submitted as the classification for the variant. However, the classification appeared to be based only on an observation of functional data so it was converted to no classification on 2025-07-30.

NM_007294.4(BRCA1):c.134+11A>C

Gene: BRCA1 (BRCA1 DNA repair associated; minus strand). Cytogenetic location: 17q21.31.
Variant type: single nucleotide variant.
Coding change: c.134+11A>C on transcript NM_007294.4 (MANE Select); 11 bases into the intron after coding-DNA position 134, A replaced by C.
Molecular consequence: intron variant.
Genome position (GRCh38, 1-based): chr17:43,115,715, T>G on the plus strand (A>C on the coding strand, the complement: BRCA1 is on the minus strand). VCF-style: chr17-43115715-T-G. GRCh37 (hg19) VCF-style: chr17-41267732-T-G.
Other names: c.-8+11A>C (NM_001408458.1, NM_001408470.1, NM_001407848.1 and 47 more transcripts); c.-219+9562A>C (NM_001407967.1); c.-170+9562A>C (NM_001407959.1); c.-7-9182A>C (NM_001407931.1, NM_001407747.1, NM_001408511.1 and 2 more transcripts); c.-170+11A>C (NM_001407962.1, NM_001408512.1, NM_001408510.1 and 1 more transcripts); c.-55+11A>C (NM_001407885.1, NM_001407886.1, NM_001408509.1 and 52 more transcripts); c.-124+11A>C (NM_001407746.1, NM_001408468.1, NM_001407842.1 and 13 more transcripts); c.-8+8302A>C (NM_001408461.1, NM_001407738.1, NM_001407932.1 and 23 more transcripts); and 10 more.
Identifiers: ClinVar variation 865161 (VCV000865161.3), dbSNP rs2055240251, ClinGen allele CA916080979.